The following is an entry in ClinVar:

NM_000179.3(MSH6):c.1763_1771dup (p.Pro590_Pro591insHisTyrPro)

Gene: MSH6 (mutS homolog 6; plus strand). Cytogenetic location: 2p16.3.
Variant type: Duplication.
Coding change: c.1763_1771dup on transcript NM_000179.3 (MANE Select); coding-DNA positions 1763 to 1771, 9 bases duplicated (ACTATCCCC; older notation c.1763_1771dupACTATCCCC).
Protein change: p.Pro590_Pro591insHisTyrPro.
Molecular consequence: inframe insertion. On other transcripts: non-coding transcript variant (4), intron variant (2).
Genome position (GRCh38, 1-based): chr2:47,799,746-47,799,754, ACTATCCCC duplicated; duplicating any 9 consecutive bases within chr2:47,799,745-47,799,754 gives the same sequence; the c. name uses the placement nearest the transcript's 3' end. VCF-style (leftmost placement, unchanged base first): chr2-47799744-A-ACACTATCCC. GRCh37 (hg19) VCF-style: chr2-48026883-A-ACACTATCCC.
Other names: c.1373_1381dup, p.Pro460_Pro461insHisTyrPro (NM_001281492.2); c.857_865dup, p.Pro288_Pro289insHisTyrPro (NM_001281493.2, NM_001281494.2, NM_001406811.1 and 6 more transcripts); c.1859_1867dup, p.Pro622_Pro623insHisTyrPro (NM_001406795.1, NM_001406802.1); c.1763_1771dup, p.Pro590_Pro591insHisTyrPro (NM_001406796.1, NM_001406798.1, NM_001406800.1 and 3 more transcripts); c.1466_1474dup, p.Pro491_Pro492insHisTyrPro (NM_001406797.1, NM_001406801.1, NM_001406805.1 and 10 more transcripts); c.1238_1246dup, p.Pro415_Pro416insHisTyrPro (NM_001406799.1, NM_001406806.1, NM_001406807.1); c.1685_1693dup, p.Pro564_Pro565insHisTyrPro (NM_001406804.1); c.1769_1777dup, p.Pro592_Pro593insHisTyrPro (NM_001406813.1); and 3 more.
Identifiers: ClinVar variation 3602922 (VCV003602922.1).

ClinVar aggregate classification (germline): Likely pathogenic (1 of 4 stars; one submission).

Submission:

GeneDx
Classification: Likely pathogenic. Last evaluated: 2024-08-02. Review status: criteria provided, single submitter. Criteria: GeneDx Variant Classification Process June 2021. Collection method: clinical testing. Allele origin: germline. Affected: yes.
Comment: Not observed at significant frequency in large population cohorts (gnomAD); In-frame insertion of 3 amino acids in a non-repeat region; This variant is associated with the following publications: (PMID: 17531815, 21120944, 32642664, 36586540, 26318770)